The following is an entry in ClinVar:

NM_001354604.2(MITF):c.670G>A (p.Asp224Asn)

Gene: MITF (melanocyte inducing transcription factor; plus strand). Cytogenetic location: 3p13.
Variant type: single nucleotide variant.
Coding change: c.670G>A on transcript NM_001354604.2 (MANE Select); coding-DNA position 670, G replaced by A.
Protein change: p.Asp224Asn; replaces aspartic acid 224 with asparagine.
Molecular consequence: missense variant.
Genome position (GRCh38, 1-based): chr3:69,941,239, G>A. VCF-style: chr3-69941239-G-A. GRCh37 (hg19) VCF-style: chr3-69990390-G-A.
Other names: c.349G>A, p.Asp117Asn (NM_000248.4, NM_198158.3); c.514G>A, p.Asp172Asn (NM_001184967.2, NM_001354608.2); c.667G>A, p.Asp223Asn (NM_001354605.2, NM_001354606.2, NM_006722.3); c.619G>A, p.Asp207Asn (NM_001354607.2); c.670G>A, p.Asp224Asn (NM_198159.3); c.622G>A, p.Asp208Asn (NM_198177.3); c.181G>A, p.Asp61Asn (NM_198178.3); short protein forms D117N, D172N, D207N, D208N, D223N, D224N, D61N.
Identifiers: ClinVar variation 3752467 (VCV003752467.2).
Genomic context (GRCh38, chr3:69,941,239, plus strand): 5'-GTTGTGTTGCATAGTTTATTTATTTTTGTCTCTCTTCTCTTACCCTTTTTCCTACAGATG[G>A]ATGATGTAATCGATGACATCATTAGCCTAGAATCAAGTTATAATGAGGAAATCTTGGGCT-3'
Protein context (NP_001341533.1, residues 214-234): THSRASCMQM[Asp224Asn]DVIDDIISLE

ClinVar aggregate classification (germline): Uncertain significance (1 of 4 stars; one submission).

Conditions:
Waardenburg syndrome type 2A (WS2A). Also called: WAARDENBURG SYNDROME WITHOUT DYSTOPIA CANTHORUM. Identifiers: Orphanet 3440, MedGen C1860339, MONDO:0008671, OMIM 193510.
Tietz syndrome (TADS). Also called: ALBINISM-DEAFNESS OF TIETZ; HYPOPIGMENTATION/DEAFNESS OF TIETZ; TIETZ ALBINISM-DEAFNESS SYNDROME. Identifiers: Orphanet 42665, MedGen C0391816, MONDO:0007077, OMIM 103500.
Melanoma, cutaneous malignant, susceptibility to, 8. Also called: MELANOMA AND RENAL CELL CARCINOMA, SUSCEPTIBILITY TO; Cutaneous malignant melanoma 8. Identifiers: Orphanet 293822, MedGen C3152204, MONDO:0013759, OMIM 614456.

Submission:

Labcorp Genetics (formerly Invitae), Labcorp
Classification: Uncertain significance for Melanoma, cutaneous malignant, susceptibility to, 8; Waardenburg syndrome type 2A; Tietz syndrome. Last evaluated: 2025-12-29. Review status: criteria provided, single submitter. Criteria: Invitae Variant Classification Sherloc (09022015). Collection method: clinical testing. Allele origin: germline.
Comment: This sequence change replaces aspartic acid, which is acidic and polar, with asparagine, which is neutral and polar, at codon 117 of the MITF protein (p.Asp117Asn). This variant is not present in population databases (gnomAD no frequency). This variant has not been reported in the literature in individuals affected with MITF-related conditions. ClinVar contains an entry for this variant (Variation ID: 3752467). Invitae Evidence Modeling of protein sequence and biophysical properties (such as structural, functional, and spatial information, amino acid conservation, physicochemical variation, residue mobility, and thermodynamic stability) indicates that this missense variant is expected to disrupt MITF protein function with a positive predictive value of 80%. In summary, the available evidence is currently insufficient to determine the role of this variant in disease. Therefore, it has been classified as a Variant of Uncertain Significance.